The following is an entry in ClinVar:

NM_022124.6(CDH23):c.-45AGGCG[1]

Gene: CDH23 (cadherin related 23; plus strand). Cytogenetic location: 10q22.1.
Variant type: Microsatellite.
Coding change: c.-45AGGCG[1] on transcript NM_022124.6 (MANE Select); one copy of the 5-base unit AGGCG starting at c.-45; the reference has three copies in a row; two copies, 10 bases deleted.
Molecular consequence: 5 prime UTR variant.
Genome position (GRCh38, 1-based): chr10:71,397,284-71,397,293, AGGCGAGGCG deleted; deleting any 10 consecutive bases within chr10:71,397,277-71,397,293 gives the same sequence; the position shown is the placement nearest the transcript's 3' end. VCF-style (leftmost placement, unchanged base first): chr10-71397276-CCGAGGCGAGG-C. GRCh37 (hg19) VCF-style: chr10-73157033-CCGAGGCGAGG-C.
Other names: c.-45AGGCG[1] (NM_001171930.2, NM_001171931.2, NM_001171932.2 and 1 more transcripts).
Identifiers: ClinVar variation 4990225 (VCV004990225.1).

ClinVar aggregate classification (germline): Likely benign (1 of 4 stars; one submission).

Conditions:
CDH23-related disorder. Also called: CDH23-related disorders; CDH23-related condition.

Submission:

PreventionGenetics, part of Exact Sciences
Classification: Likely benign for CDH23-related condition. Last evaluated: 2026-09-01. Review status: criteria provided, single submitter. Criteria: ACMG Guidelines, 2015. Collection method: clinical testing. Allele origin: germline.
Comment: This variant is classified as likely benign based on ACMG/AMP sequence variant interpretation guidelines (Richards et al. 2015 PMID: 25741868, with internal and published modifications).